The following is an entry in ClinVar:

NM_003072.5(SMARCA4):c.38G>C (p.Arg13Pro)

Gene: SMARCA4 (SWI/SNF related BAF chromatin remodeling complex subunit ATPase 4; plus strand). Cytogenetic location: 19p13.2.
Variant type: single nucleotide variant.
Coding change: c.38G>C on transcript NM_003072.5 (MANE Select); coding-DNA position 38, G replaced by C.
Protein change: p.Arg13Pro; replaces arginine 13 with proline.
Molecular consequence: missense variant. On other transcripts: non-coding transcript variant (1).
Genome position (GRCh38, 1-based): chr19:10,984,189, G>C. VCF-style: chr19-10984189-G-C. GRCh37 (hg19) VCF-style: chr19-11094865-G-C.
Other names: c.38G>C, p.Arg13Pro (NM_001128844.3, NM_001128845.2, NM_001128846.2 and 6 more transcripts); short protein forms R13P.
Identifiers: ClinVar variation 1736007 (VCV001736007.2), dbSNP rs143950084, ClinGen allele CA404053946.

ClinVar aggregate classification (germline): Uncertain significance (1 of 4 stars; one submission).

Conditions:
Hereditary cancer-predisposing syndrome. Also called: Neoplastic Syndromes, Hereditary; Tumor predisposition; Hereditary Cancer Syndrome; Hereditary neoplastic syndrome. Identifiers: Orphanet 140162, MedGen C0027672, MeSH D009386, MONDO:0015356.

Submission:

Ambry Genetics
Classification: Uncertain significance for Hereditary cancer-predisposing syndrome. Last evaluated: 2020-08-27. Review status: criteria provided, single submitter. Criteria: Ambry Variant Classification Scheme 2023. Collection method: clinical testing. Allele origin: germline.
Comment: The p.R13P variant (also known as c.38G>C), located in coding exon 1 of the SMARCA4 gene, results from a G to C substitution at nucleotide position 38. The arginine at codon 13 is replaced by proline, an amino acid with dissimilar properties. This amino acid position is well conserved in available vertebrate species. In addition, the in silico prediction for this alteration is inconclusive. Since supporting evidence is limited at this time, the clinical significance of this alteration remains unclear.